The following is an entry in ClinVar:

NM_145290.4(ADGRA3):c.1526A>T (p.Lys509Ile)

Gene: ADGRA3 (adhesion G protein-coupled receptor A3; minus strand). Cytogenetic location: 4p15.2.
Variant type: single nucleotide variant.
Coding change: c.1526A>T on transcript NM_145290.4 (MANE Select); coding-DNA position 1526, A replaced by T.
Protein change: p.Lys509Ile; replaces lysine 509 with isoleucine.
Molecular consequence: missense variant.
Genome position (GRCh38, 1-based): chr4:22,424,270, T>A on the plus strand (A>T on the coding strand, the complement: ADGRA3 is on the minus strand). VCF-style: chr4-22424270-T-A. GRCh37 (hg19) VCF-style: chr4-22425893-T-A.
Other names: c.1526A>T (NM_145290.2); short protein forms K509I.
Identifiers: ClinVar variation 715972 (VCV000715972.15), dbSNP rs138525539, ClinGen allele CA2873929.

ClinVar aggregate classification (germline): Conflicting classifications of pathogenicity. Review status: criteria provided, conflicting classifications (1 of 4 stars). 4 submissions from 4 submitters: Uncertain significance (1); Likely benign (2). 1 of the submissions does not count toward it. Last evaluated 2026-01-21.

Conditions:
ADGRA3-related disorder. Also called: ADGRA3-related condition.

Allele frequency attached by ClinVar (database versions not stated): gnomAD exomes 0.00053; ExAC 0.00066; gnomAD 0.00153 and 0.00166; ESP Exome Variant Server 0.00177; TOPMed 0.00217; 1000 Genomes Project 0.00220; 1000 Genomes Project 30x 0.00234.
gnomAD v4.1: 540 of 1,613,808 alleles (0.033%); highest among the groups gnomAD compares: African/African-American, 0.62%; 1 homozygote.

Submissions (4):

Labcorp Genetics (formerly Invitae), Labcorp
Classification: Likely benign. Last evaluated: 2026-01-21. Review status: criteria provided, single submitter. Criteria: Invitae Variant Classification Sherloc (09022015). Collection method: clinical testing. Allele origin: germline.

Ambry Genetics
Classification: Uncertain significance. Last evaluated: 2025-08-21. Review status: criteria provided, single submitter. Criteria: Ambry Variant Classification Scheme 2023. Collection method: clinical testing. Allele origin: germline.

Breakthrough Genomics
Classification: Likely benign. Review status: criteria provided, single submitter. Criteria: ACMG Guidelines, 2015. Collection method: not provided. Allele origin: germline. Inheritance: Unknown mechanism. Affected: yes.

PreventionGenetics, part of Exact Sciences
Classification: Likely benign for ADGRA3-related condition. Last evaluated: 2019-06-19. Review status: no assertion criteria provided. Collection method: clinical testing. Allele origin: germline. Not counted in ClinVar's aggregate classification.
Comment: This variant is classified as likely benign based on ACMG/AMP sequence variant interpretation guidelines (Richards et al. 2015 PMID: 25741868, with internal and published modifications).